The following is an entry in ClinVar:

NM_000208.4(INSR):c.1123+13G>T

Gene: INSR (insulin receptor; minus strand). Cytogenetic location: 19p13.2.
Variant type: single nucleotide variant.
Coding change: c.1123+13G>T on transcript NM_000208.4 (MANE Select); 13 bases into the intron after coding-DNA position 1123, G replaced by T.
Molecular consequence: intron variant.
Genome position (GRCh38, 1-based): chr19:7,174,570, C>A on the plus strand (G>T on the coding strand, the complement: INSR is on the minus strand). VCF-style: chr19-7174570-C-A. GRCh37 (hg19) VCF-style: chr19-7174581-C-A.
Other names: c.1123+13G>T (NM_001079817.3).
Identifiers: ClinVar variation 330472 (VCV000330472.20), dbSNP rs72549236, ClinGen allele CA9135922.

ClinVar aggregate classification (germline): Benign/Likely benign. Review status: criteria provided, multiple submitters, no conflicts (2 of 4 stars). 7 submissions from 5 submitters: Benign (4); Likely benign (3). Last evaluated 2025-12-22.

Conditions:
Insulin-resistant diabetes mellitus AND acanthosis nigricans. Also called: type A insulin resistance; DIABETES MELLITUS, INSULIN-RESISTANT, WITH ACANTHOSIS NIGRICANS, TYPE A; INSULIN RECEPTOR, DEFECT IN, WITH INSULIN-RESISTANT DIABETES MELLITUS AND ACANTHOSIS NIGRICANS; IRAN, TYPE A; Insulin-resistance syndrome type A. Identifiers: Orphanet 2297, MedGen C0342278, MONDO:0012520, OMIM 610549.
Rabson-Mendenhall syndrome. Also called: Pineal Hyperplasia, Insulin-Resistant Diabetes Mellitus, and Somatic Abnormalities; MENDENHALL SYNDROME; Pineal hyperplasia AND diabetes mellitus syndrome. Identifiers: Orphanet 769, MedGen C0271695, MONDO:0009874, OMIM 262190.
Leprechaunism syndrome. Also called: LEPRECHAUNISM; Donohue syndrome. Identifiers: Orphanet 508, MedGen C0265344, MONDO:0009517, OMIM 246200.

Allele frequency attached by ClinVar (database versions not stated): 1000 Genomes Project 0.00339; TOPMed 0.00516; gnomAD 0.00522 and 0.00526; gnomAD exomes 0.00607; ExAC 0.00647; ESP Exome Variant Server 0.00654.
gnomAD v4.1: 10,490 of 1,613,906 alleles (0.65%); highest among the groups gnomAD compares: Non-Finnish European, 0.74%; 51 homozygotes.

Submissions (7):

Labcorp Genetics (formerly Invitae), Labcorp
Classification: Benign. Last evaluated: 2025-12-22. Review status: criteria provided, single submitter. Criteria: Invitae Variant Classification Sherloc (09022015). Collection method: clinical testing. Allele origin: germline.

Blueprint Genetics
Classification: Likely benign. Last evaluated: 2024-11-28. Review status: criteria provided, single submitter. Criteria: ACMG Guidelines, 2015. Collection method: clinical testing. Allele origin: germline.

Illumina Laboratory Services, Illumina
Classification: Benign for Rabson-Mendenhall syndrome. Last evaluated: 2018-01-12. Review status: criteria provided, single submitter. Criteria: ICSL Variant Classification Criteria 13 December 2019. Collection method: clinical testing. Allele origin: germline.
Comment: This variant was observed in the ICSL laboratory as part of a predisposition screen in an ostensibly healthy population. It had not been previously curated by ICSL or reported in the Human Gene Mutation Database (HGMD: prior to June 1st, 2018), and was therefore a candidate for classification through an automated scoring system. Utilizing variant allele frequency, disease prevalence and penetrance estimates, and inheritance mode, an automated score was calculated to assess if this variant is too frequent to cause the disease. Based on the score and internal cut-off values, a variant classified as benign is not then subjected to further curation. The score for this variant resulted in a classification of benign for this disease.

Illumina Laboratory Services, Illumina
Classification: Benign for Insulin-resistant diabetes mellitus AND acanthosis nigricans. Last evaluated: 2018-01-12. Review status: criteria provided, single submitter. Criteria: ICSL Variant Classification Criteria 13 December 2019. Collection method: clinical testing. Allele origin: germline.
Comment: the same text as in the submission from Illumina Laboratory Services, Illumina above.

Illumina Laboratory Services, Illumina
Classification: Benign for Leprechaunism syndrome. Last evaluated: 2018-01-12. Review status: criteria provided, single submitter. Criteria: ICSL Variant Classification Criteria 13 December 2019. Collection method: clinical testing. Allele origin: germline.
Comment: the same text as in the submission from Illumina Laboratory Services, Illumina above.

ARUP Laboratories, Molecular Genetics and Genomics, ARUP Laboratories
Classification: Likely benign. Last evaluated: 2017-01-17. Review status: criteria provided, single submitter. Criteria: ARUP Molecular Germline Variant Investigation Process. Collection method: clinical testing. Allele origin: germline.

Breakthrough Genomics
Classification: Likely benign. Review status: criteria provided, single submitter. Criteria: ACMG Guidelines, 2015. Collection method: not provided. Allele origin: germline. Inheritance: Autosomal recessive inheritance. Affected: yes.